The following is an entry in ClinVar:

ClinVar aggregate classification (germline): Pathogenic. Review status: criteria provided, multiple submitters, no conflicts (2 of 4 stars). 5 submissions from 5 submitters: Pathogenic (5). Last evaluated 2025-11-05.

Conditions:
UBE3A-related disorder. Also called: UBE3A-related condition.
Angelman syndrome (AS). Also called: HAPPY PUPPET SYNDROME. Identifiers: Orphanet 72, MedGen C0162635, MONDO:0007113, OMIM 105830. Disease mechanism: loss of function. Inheritance: AS is caused by disruption of maternally imprinted UBE3A located within the 15q11.2-q13 Angelman syndrome/Prader-Willi syndrome (AS/PWS) region., imprinting disorder.

Submissions (5):

3billion
Classification: Pathogenic for Angelman syndrome. Last evaluated: 2025-11-05. Review status: criteria provided, single submitter. Criteria: ACMG Guidelines, 2015. Collection method: clinical testing. Allele origin: germline. Affected: yes.
Comment: The variant is not observed in the gnomAD v4.1.0 dataset. Predicted Consequence/Location: Stop-gained (nonsense): predicted to result in a loss or disruption of normal protein function through nonsense-mediated decay (NMD) or protein truncation. Multiple pathogenic variants are reported downstream of the variant. The variant has been reported at least twice as pathogenic with clinical assertions and evidence for the classification (ClinVar ID: VCV000446052 /PMID: 9585605 /3billion dataset). Therefore, this variant is classified as Pathogenic according to the recommendation of ACMG/AMP guideline.

Labcorp Genetics (formerly Invitae), Labcorp
Classification: Pathogenic for Angelman syndrome. Last evaluated: 2025-09-27. Review status: criteria provided, single submitter. Criteria: Invitae Variant Classification Sherloc (09022015). Collection method: clinical testing. Allele origin: germline.
Comment: This sequence change creates a premature translational stop signal (p.Arg482*) in the UBE3A gene. It is expected to result in an absent or disrupted protein product. Loss-of-function variants in UBE3A are known to be pathogenic (PMID: 25212744). This variant is not present in population databases (gnomAD no frequency). This premature translational stop signal has been observed in individual(s) with clinical features of Angelman syndrome (PMID: 9585605, 25212744; internal data). ClinVar contains an entry for this variant (Variation ID: 446052). For these reasons, this variant has been classified as Pathogenic.

Blueprint Genetics
Classification: Pathogenic for UBE3A-related disorders. Last evaluated: 2023-05-11. Review status: criteria provided, single submitter. Criteria: ACMG Guidelines, 2015. Collection method: clinical testing. Allele origin: de novo. Affected: yes. Observed: 1 variant allele.

Victorian Clinical Genetics Services, Murdoch Childrens Research Institute
Classification: Pathogenic for Angelman syndrome. Last evaluated: 2020-05-08. Review status: criteria provided, single submitter. Criteria: ACMG Guidelines, 2015. Collection method: clinical testing. Allele origin: germline. Affected: yes.
Comment: Based on the classification scheme VCGS_Germline_v0.6.1, this variant is classified as Pathogenic. Following criteria are met: 0102 - Loss of function is a known mechanism of disease for this gene. 0107 - This gene is known to be associated with autosomal dominant disease. 0113 - This gene is known to be imprinted (OMIM). 0202 - Variant is predicted to cause nonsense-mediated decay (NMD) and loss of protein BUT is located in an exon that may undergo alternative splicing (exon 3 of 10). 0301 - Variant is absent from gnomAD. 0401 - Variant is located in a gene associated with a severe early onset DOMINANT condition that is INTOLERANT to loss-of-function variants. 0507 - Identified variant type is not compatible with in silico predictions of pathogenicity. 0701 - Comparable variant in relevant codon/region has very strong previous evidence for pathogenicity. At least 10 variants predicted to cause NMD have been reported as pathogenic in individuals with Angelman syndrome (ClinVar). 0801 - Strong previous evidence of pathogenicity in unrelated individuals. This variant has been previously reported in patients with Angelman syndrome (PMIDs:11748306, 10737998). 0905 - No published segregation evidence has been identified for this variant. 1007 - No published functional evidence has been identified for this variant. 1204 - De Novo Variant (Parental status not tested but assumed).

Center for Pediatric Genomic Medicine, Children's Mercy Hospital and Clinics
Classification: Pathogenic. Last evaluated: 2017-09-06. Review status: criteria provided, single submitter. Criteria: ACMG Guidelines, 2015. Collection method: clinical testing. Allele origin: germline.

Literature cited by the submitters: PubMed 9585605 (cited by 3billion and Labcorp Genetics (formerly Invitae), Labcorp); PubMed 25212744 (cited by Labcorp Genetics (formerly Invitae), Labcorp); PubMed 10737998 (cited by Victorian Clinical Genetics Services, Murdoch Childrens Research Institute); PubMed 11748306 (cited by Victorian Clinical Genetics Services, Murdoch Childrens Research Institute).

NM_130839.5(UBE3A):c.1504C>T (p.Arg502Ter)

Genes: SNHG14 (small nucleolar RNA host gene 14; plus strand), UBE3A (ubiquitin protein ligase E3A; minus strand). Cytogenetic location: 15q11.2.
Variant type: single nucleotide variant.
Coding change: c.1504C>T on transcript NM_130839.5 (MANE Select); coding-DNA position 1504, C replaced by T.
Protein change: p.Arg502Ter; replaces arginine 502 with a stop codon.
Molecular consequence: nonsense. On other transcripts: non-coding transcript variant (1), intron variant (2).
Genome position (GRCh38, 1-based): chr15:25,370,670, G>A on the plus strand (C>T on the coding strand, the complement: UBE3A is on the minus strand). VCF-style: chr15-25370670-G-A. GRCh37 (hg19) VCF-style: chr15-25615817-G-A.
Other names: c.1513C>T, p.Arg505Ter (NM_000462.5); c.1504C>T, p.Arg502Ter (NM_001354505.1, NM_001354538.2, NM_001354545.2); c.1444C>T, p.Arg482Ter (NM_001354506.2, NM_001354507.2, NM_001354508.2 and 17 more transcripts); c.1327C>T, p.Arg443Ter (NM_001354546.2); c.301+4795C>T (NM_001354551.2); c.361+4795C>T (NM_001354550.2); short protein forms R482*, R502*, R505*, R443*.
Identifiers: ClinVar variation 446052 (VCV000446052.16), dbSNP rs1555399937, ClinGen allele CA391353439.